The following is an entry in ClinVar:

NM_001368894.2(PAX6):c.939dup (p.Pro314fs)

Gene: PAX6 (paired box 6; minus strand). Cytogenetic location: 11p13.
Variant type: Duplication.
Coding change: c.939dup on transcript NM_001368894.2 (MANE Select); coding-DNA position 939, one base duplicated (T; older notation c.939dupT).
Protein change: p.Pro314fs; shifts the reading frame from proline 314.
Molecular consequence: frameshift variant. On other transcripts: non-coding transcript variant (2).
Genome position (GRCh38, 1-based): chr11:31,793,671, A duplicated on the plus strand (T on the coding strand, the reverse complement: PAX6 is on the minus strand); the first of 2 consecutive A bases (chr11:31,793,671-31,793,672); duplicating either gives the same sequence. VCF-style (leftmost placement, unchanged base first): chr11-31793670-G-GA. GRCh37 (hg19) VCF-style: chr11-31815218-G-GA.
Other names: c.897dup, p.Pro300fs (NM_000280.6, NM_001127612.3, NM_001258464.2 and 10 more transcripts); c.939dup, p.Pro314fs (NM_001258462.3, NM_001258463.2, NM_001310158.2 and 6 more transcripts); c.489dup, p.Pro164fs (NM_001310160.2, NM_001310161.3, NM_001368899.2 and 11 more transcripts); c.1140dup, p.Pro381fs (NM_001368910.2); c.942dup, p.Pro315fs (NM_001368911.2); c.1014dup, p.Pro339fs (NM_001368918.2, NM_001368919.2); c.972dup, p.Pro325fs (NM_001368920.2); c.738dup, p.Pro247fs (NM_001368921.2, NM_001368922.2, NM_001368923.2 and 4 more transcripts); and 2 more; short protein forms P247fs, P314fs, P233fs, P315fs, P99fs, P164fs, P300fs, P339fs.
Identifiers: ClinVar variation 2053280 (VCV002053280.4), dbSNP rs2495097530, ClinGen allele CA2580082901.
Genomic context (GRCh38, chr11:31,793,670, plus strand): 5'-GGTTTAAAGACATTGATTCGTAGTATTAGTATTTCAAATTACCCGGTGTGGTGGGTTGTG[G>GA]AATTGGTTGGTAGACACTGGTGCTGAAACTACTGCTGATAGGAATATGACTAGGTGTGTT-3'

ClinVar aggregate classification (germline): Pathogenic (1 of 4 stars; one submission).

Conditions:
Aniridia 1 (AN1). Identifiers: Orphanet 250923, MedGen C0344542, MONDO:0024507, OMIM 106210.
Irido-corneo-trabecular dysgenesis (ASGD5). Also called: ANTERIOR SEGMENT DYSGENESIS 5. Identifiers: Orphanet 708, MedGen C0344559, MONDO:0011414, OMIM 604229, HP:0000659.

Submission:

Labcorp Genetics (formerly Invitae), Labcorp
Classification: Pathogenic for Aniridia 1; Irido-corneo-trabecular dysgenesis. Last evaluated: 2021-12-22. Review status: criteria provided, single submitter. Criteria: Invitae Variant Classification Sherloc (09022015). Collection method: clinical testing. Allele origin: germline.
Comment: This sequence change creates a premature translational stop signal (p.Pro300Serfs*41) in the PAX6 gene. It is expected to result in an absent or disrupted protein product. Loss-of-function variants in PAX6 are known to be pathogenic (PMID: 12634864). This variant is not present in population databases (gnomAD no frequency). This variant has not been reported in the literature in individuals affected with PAX6-related conditions. For these reasons, this variant has been classified as Pathogenic.

Literature cited by the submitters: PubMed 12634864.